The following is an entry in ClinVar:

NM_001009944.3(PKD1):c.6376G>A (p.Ala2126Thr)

Gene: PKD1 (polycystin 1, transient receptor potential channel interacting; minus strand). Cytogenetic location: 16p13.3.
Variant type: single nucleotide variant.
Coding change: c.6376G>A on transcript NM_001009944.3 (MANE Select); coding-DNA position 6376, G replaced by A.
Protein change: p.Ala2126Thr; replaces alanine 2126 with threonine.
Molecular consequence: missense variant.
Genome position (GRCh38, 1-based): chr16:2,108,791, C>T on the plus strand (G>A on the coding strand, the complement: PKD1 is on the minus strand). VCF-style: chr16-2108791-C-T. GRCh37 (hg19) VCF-style: chr16-2158792-C-T.
Other names: c.6376G>A, p.Ala2126Thr (NM_000296.4); short protein forms A2126T.
Identifiers: ClinVar variation 4989417 (VCV004989417.1).

ClinVar aggregate classification (germline): Uncertain significance (1 of 4 stars; one submission).

Conditions:
PKD1-related disorder. Also called: PKD1-related condition.

gnomAD v4.1: 6 of 1,569,514 alleles (0.00038%); highest among the groups gnomAD compares: African/African-American, 0.0014%; no homozygotes.

Submission:

PreventionGenetics, part of Exact Sciences
Classification: Uncertain significance for PKD1-related condition. Last evaluated: 2026-07-23. Review status: criteria provided, single submitter. Criteria: ACMG Guidelines, 2015. Collection method: clinical testing. Allele origin: germline.
Comment: The PKD1 c.6376G>A variant is predicted to result in the amino acid substitution p.Ala2126Thr. To our knowledge, this variant has not been reported in the literature or in a large population database (gnomAD), indicating this variant is rare. At this time, the clinical significance of this variant is uncertain due to the absence of conclusive functional and genetic evidence.